The following is an entry in ClinVar:

NM_004937.3(CTNS):c.768dup (p.Val257fs)

Gene: CTNS (cystinosin, lysosomal cystine transporter; plus strand). Cytogenetic location: 17p13.2.
Variant type: Duplication.
Coding change: c.768dup on transcript NM_004937.3 (MANE Select); coding-DNA position 768, one base duplicated (A; older notation c.768dupA).
Protein change: p.Val257fs; shifts the reading frame from valine 257.
Molecular consequence: frameshift variant.
Genome position (GRCh38, 1-based): chr17:3,658,091, A duplicated. VCF-style (leftmost placement, unchanged base first): chr17-3658090-C-CA. GRCh37 (hg19) VCF-style: chr17-3561384-C-CA.
Other names: c.768dupA (NM_004937.2); c.768dup, p.Val257fs (NM_001031681.3, NM_001374492.1); c.327dup, p.Val110fs (NM_001374493.1, NM_001374494.1, NM_001374495.1 and 1 more transcripts); short protein forms V257fs, V110fs.
Identifiers: ClinVar variation 599228 (VCV000599228.7), dbSNP rs1567713938, ClinGen allele CA913190640.

ClinVar aggregate classification (germline): Pathogenic/Likely pathogenic. Review status: criteria provided, multiple submitters, no conflicts (2 of 4 stars). 5 submissions from 5 submitters: Pathogenic (2); Likely pathogenic (2). 1 of the submissions does not count toward it. Last evaluated 2024-11-29.

Conditions:
Inborn genetic diseases. Identifiers: MedGen C0950123, MeSH D030342.
Juvenile nephropathic cystinosis. Also called: Intermediate Cystinosis; CYSTINOSIS, LATE-ONSET JUVENILE OR ADOLESCENT NEPHROPATHIC TYPE; Later-Onset (Juvenile) Cystinosis. Identifiers: Orphanet 213, Orphanet 411634, MedGen C0268626, MONDO:0009066, OMIM 219900.
Ocular cystinosis. Also called: Non-Nephropathic Cystinosis; Non-Nephropathic (Ocular) Cystinosis. Identifiers: Orphanet 213, Orphanet 411641, MedGen C2931013, MONDO:0009064, OMIM 219750.
Nephropathic cystinosis (CTNS). Also called: CYSTINOSIN, DEFECT OF; LYSOSOMAL CYSTINE TRANSPORT PROTEIN, DEFECT OF; Abderhalden Lignac Kaufmann disease; Abderhalden-Kaufmann-Lignac syndrome. Identifiers: Orphanet 213, Orphanet 411629, MedGen C2931187, MONDO:0100151, OMIM 219800.

Submissions (5):

Revvity Omics, Revvity
Classification: Likely pathogenic. Last evaluated: 2024-11-29. Review status: criteria provided, single submitter. Criteria: ACMG Guidelines, 2015. Collection method: clinical testing. Allele origin: germline.

Baylor Genetics
Classification: Likely pathogenic for Nephropathic cystinosis. Last evaluated: 2023-10-12. Review status: criteria provided, single submitter. Criteria: ACMG Guidelines, 2015. Collection method: clinical testing. Allele origin: unknown.

3billion
Classification: Pathogenic for Nephropathic cystinosis. Last evaluated: 2023-07-11. Review status: criteria provided, single submitter. Criteria: ACMG Guidelines, 2015. Collection method: clinical testing. Allele origin: germline. Affected: yes.
Comment: The variant is not observed in the gnomAD v2.1.1 dataset. Predicted Consequence/Location: Frameshift: predicted to result in a loss or disruption of normal protein function through nonsense-mediated decay (NMD) or protein truncation. Multiple pathogenic variants are reported downstream of the variant. The variant has been reported to be associated with CTNS related disorder (ClinVar ID: VCV000599228). Therefore, this variant is classified as Pathogenic according to the recommendation of ACMG/AMP guideline.

Labcorp Genetics (formerly Invitae), Labcorp
Classification: Pathogenic for Inborn genetic diseases; Ocular cystinosis; Juvenile nephropathic cystinosis. Last evaluated: 2023-01-27. Review status: criteria provided, single submitter. Criteria: Invitae Variant Classification Sherloc (09022015). Collection method: clinical testing. Allele origin: germline.
Comment: This sequence change creates a premature translational stop signal (p.Val257Serfs*39) in the CTNS gene. It is expected to result in an absent or disrupted protein product. Loss-of-function variants in CTNS are known to be pathogenic (PMID: 9537412, 27102039). This variant is not present in population databases (gnomAD no frequency). This variant has not been reported in the literature in individuals affected with CTNS-related conditions. ClinVar contains an entry for this variant (Variation ID: 599228). For these reasons, this variant has been classified as Pathogenic.

Institute of Human Genetics, Cologne University
Classification: Likely pathogenic for Nephropathic cystinosis. Review status: no assertion criteria provided. Collection method: clinical testing. Allele origin: germline. Affected: yes. Observed: 1 homozygote. Not counted in ClinVar's aggregate classification.

Literature cited by the submitters: PubMed 9537412 (cited by Labcorp Genetics (formerly Invitae), Labcorp); PubMed 27102039 (cited by Labcorp Genetics (formerly Invitae), Labcorp).